The following is an entry in ClinVar:

NM_006393.3(NEBL):c.2830G>A (p.Val944Met)

Gene: NEBL (nebulette; minus strand). Cytogenetic location: 10p12.31.
Variant type: single nucleotide variant.
Coding change: c.2830G>A on transcript NM_006393.3 (MANE Select); coding-DNA position 2830, G replaced by A.
Protein change: p.Val944Met; replaces valine 944 with methionine.
Molecular consequence: missense variant.
Genome position (GRCh38, 1-based): chr10:20,787,240, C>T on the plus strand (G>A on the coding strand, the complement: NEBL is on the minus strand). VCF-style: chr10-20787240-C-T. GRCh37 (hg19) VCF-style: chr10-21076169-C-T.
Other names: c.598G>A, p.Val200Met (NM_001173484.2, NM_213569.2); c.691G>A, p.Val231Met (NM_001377322.1); c.550G>A, p.Val184Met (NM_001377323.1); c.541G>A, p.Val181Met (NM_001377324.1); c.532G>A, p.Val178Met (NM_001377325.1); c.490G>A, p.Val164Met (NM_001377326.1, NM_001377327.1, NM_001377328.1); short protein forms V181M, V944M, V184M, V200M, V231M, V178M, V164M.
Identifiers: ClinVar variation 1796589 (VCV001796589.9), dbSNP rs1015724447, ClinGen allele CA203252637.

ClinVar aggregate classification (germline): Uncertain significance. Review status: criteria provided, multiple submitters, no conflicts (2 of 4 stars). 4 submissions from 4 submitters: Uncertain significance (4). Last evaluated 2026-03-25.

Conditions:
NEBL-related disorder. Also called: NEBL-related condition.
Primary dilated cardiomyopathy (DCM). Also called: Dilated Cardiomyopathy. Identifiers: Orphanet 217604, MedGen C0007193, MeSH D002311, MONDO:0005021, HP:0001644. Inheritance: Various modes of inheritance.

Allele frequency attached by ClinVar (database versions not stated): gnomAD exomes 0.00001; TOPMed 0.00001.
gnomAD v4.1: 3 of 1,613,406 alleles (0.00019%); highest among the groups gnomAD compares: Admixed American, 0.005%; no homozygotes.

Submissions (4):

PreventionGenetics, part of Exact Sciences
Classification: Uncertain significance for NEBL-related condition. Last evaluated: 2026-03-25. Review status: criteria provided, single submitter. Criteria: ACMG Guidelines, 2015. Collection method: clinical testing. Allele origin: germline.
Comment: The NEBL c.2830G>A variant is predicted to result in the amino acid substitution p.Val944Met. To our knowledge, this variant has not been reported in the literature. This variant is reported in 0.0058% of alleles in individuals of Latino descent in gnomAD. At this time, the clinical significance of this variant is uncertain due to the absence of conclusive functional and genetic evidence.

Women's Health and Genetics/Laboratory Corporation of America, LabCorp
Classification: Uncertain significance. Last evaluated: 2024-09-23. Review status: criteria provided, single submitter. Criteria: LabCorp Variant Classification Summary - May 2015. Collection method: clinical testing. Allele origin: germline.

Ambry Genetics
Classification: Uncertain significance. Last evaluated: 2022-08-03. Review status: criteria provided, single submitter. Criteria: Ambry Variant Classification Scheme 2023. Collection method: clinical testing. Allele origin: germline.
Comment: The p.V944M variant (also known as c.2830G>A), located in coding exon 27 of the NEBL gene, results from a G to A substitution at nucleotide position 2830. The valine at codon 944 is replaced by methionine, an amino acid with highly similar properties. This amino acid position is conserved. In addition, this alteration is predicted to be tolerated by in silico analysis. Since supporting evidence is limited at this time, the clinical significance of this alteration remains unclear.

Labcorp Genetics (formerly Invitae), Labcorp
Classification: Uncertain significance for Primary dilated cardiomyopathy. Last evaluated: 2022-02-01. Review status: criteria provided, single submitter. Criteria: Invitae Variant Classification Sherloc (09022015). Collection method: clinical testing. Allele origin: germline.
Comment: This variant has not been reported in the literature in individuals affected with NEBL-related conditions. This sequence change replaces valine, which is neutral and non-polar, with methionine, which is neutral and non-polar, at codon 944 of the NEBL protein (p.Val944Met). This variant is present in population databases (no rsID available, gnomAD 0.006%). Algorithms developed to predict the effect of missense changes on protein structure and function output the following: SIFT: "Tolerated"; PolyPhen-2: "Benign"; Align-GVGD: "Class C0". The methionine amino acid residue is found in multiple mammalian species, which suggests that this missense change does not adversely affect protein function. In summary, the available evidence is currently insufficient to determine the role of this variant in disease. Therefore, it has been classified as a Variant of Uncertain Significance.